The following is an entry in ClinVar:

ClinVar aggregate classification (germline): Uncertain significance (1 of 4 stars; one submission).

Conditions:
Inborn genetic diseases. Identifiers: MedGen C0950123, MeSH D030342.

gnomAD v4.1: 3 of 1,613,744 alleles (0.00019%); highest among the groups gnomAD compares: Non-Finnish European, 0.00025%; no homozygotes.

Submission:

Ambry Genetics
Classification: Uncertain significance for Inborn genetic diseases. Last evaluated: 2026-03-21. Review status: criteria provided, single submitter. Criteria: Ambry Variant Classification Scheme 2023. Collection method: clinical testing. Allele origin: germline.
Comment: The p.K1408I variant (also known as c.4223A>T), located in coding exon 1 of the SAMD9L gene, results from an A to T substitution at nucleotide position 4223. The lysine at codon 1408 is replaced by isoleucine, an amino acid with dissimilar properties. This amino acid position is conserved. In addition, this alteration is predicted to be tolerated by in silico analysis. Based on the available evidence, the clinical significance of this variant remains unclear.

NM_152703.5(SAMD9L):c.4223A>T (p.Lys1408Ile)

Gene: SAMD9L (sterile alpha motif domain containing 9 like; minus strand). Cytogenetic location: 7q21.2.
Variant type: single nucleotide variant.
Coding change: c.4223A>T on transcript NM_152703.5 (MANE Select); coding-DNA position 4223, A replaced by T.
Protein change: p.Lys1408Ile; replaces lysine 1408 with isoleucine.
Molecular consequence: missense variant.
Genome position (GRCh38, 1-based): chr7:93,131,749, T>A on the plus strand (A>T on the coding strand, the complement: SAMD9L is on the minus strand). VCF-style: chr7-93131749-T-A. GRCh37 (hg19) VCF-style: chr7-92761062-T-A.
Other names: c.4223A>T, p.Lys1408Ile (NM_001303496.3, NM_001303497.3, NM_001303498.3 and 5 more transcripts); short protein forms K1408I.
Identifiers: ClinVar variation 4863905 (VCV004863905.1).